The following is an entry in ClinVar:

ClinVar aggregate classification (germline): Uncertain significance (1 of 4 stars; one submission).

Conditions:
Hereditary cancer-predisposing syndrome. Also called: Neoplastic Syndromes, Hereditary; Tumor predisposition; Hereditary neoplastic syndrome; Hereditary Cancer Syndrome. Identifiers: Orphanet 140162, MedGen C0027672, MeSH D009386, MONDO:0015356.

Allele frequency attached by ClinVar (database versions not stated): gnomAD exomes below 0.00001.
gnomAD v4.1: 1 of 1,613,984 alleles (0.000062%); highest among the groups gnomAD compares: East Asian, 0.0022%; no homozygotes.

Submission:

Ambry Genetics
Classification: Uncertain significance for Hereditary cancer-predisposing syndrome. Last evaluated: 2025-12-13. Review status: criteria provided, single submitter. Criteria: Ambry Variant Classification Scheme 2023. Collection method: clinical testing. Allele origin: germline.
Comment: The p.R506K variant (also known as c.1517G>A), located in coding exon 9 of the BRCA1 gene, results from a G to A substitution at nucleotide position 1517. The arginine at codon 506 is replaced by lysine, an amino acid with highly similar properties. This alteration was not observed in 7,051 unselected female breast cancer patients and was observed with an allele frequency of 0.00009 in 11,241 female controls of Japanese ancestry (Momozawa Y et al. Nat Commun, 2018 Oct;9:4083). This amino acid position is highly conserved in available vertebrate species. In addition, this alteration is predicted to be deleterious by in silico analysis. Since supporting evidence is limited at this time, the clinical significance of this alteration remains unclear.

Literature cited by the submitters: PubMed 30287823.

NM_007294.4(BRCA1):c.1517G>A (p.Arg506Lys)

Gene: BRCA1 (BRCA1 DNA repair associated; minus strand). Cytogenetic location: 17q21.31.
Variant type: single nucleotide variant.
Coding change: c.1517G>A on transcript NM_007294.4 (MANE Select); coding-DNA position 1517, G replaced by A.
Protein change: p.Arg506Lys; replaces arginine 506 with lysine.
Molecular consequence: missense variant. On other transcripts: intron variant (137).
Genome position (GRCh38, 1-based): chr17:43,094,014, C>T on the plus strand (G>A on the coding strand, the complement: BRCA1 is on the minus strand). VCF-style: chr17-43094014-C-T. GRCh37 (hg19) VCF-style: chr17-41246031-C-T.
Other names: c.1373G>A, p.Arg458Lys (NM_001407744.1, NM_001407745.1, NM_001407746.1 and 20 more transcripts); c.1376G>A, p.Arg459Lys (NM_001407752.1, NM_001407750.1, NM_001407751.1 and 29 more transcripts); c.1304G>A, p.Arg435Lys (NM_001407571.1, NM_001407853.1, NM_001407894.1 and 9 more transcripts); c.1517G>A, p.Arg506Lys (NM_001407581.1, NM_001407582.1, NM_001407583.1 and 30 more transcripts); c.1514G>A, p.Arg505Lys (NM_001407587.1, NM_001407590.1, NM_001407591.1 and 22 more transcripts); c.1508G>A, p.Arg503Lys (NM_001407646.1, NM_001407647.1); c.1394G>A, p.Arg465Lys (NM_001407648.1, NM_001407664.1, NM_001407665.1 and 19 more transcripts); c.1391G>A, p.Arg464Lys (NM_001407649.1, NM_001407670.1, NM_001407671.1 and 11 more transcripts); and 40 more; short protein forms R418K, R459K, R480K, R503K, R210K, R338K, R417K, R436K.
Identifiers: ClinVar variation 2450667 (VCV002450667.3), dbSNP rs2053926351, ClinGen allele CA10599013.